The following is an entry in ClinVar:

NM_001031725.6(DDX59):c.405TCT[1] (p.Leu137del)

Gene: DDX59 (DEAD-box helicase 59; minus strand). Cytogenetic location: 1q32.1.
Variant type: Microsatellite.
Coding change: c.405TCT[1] on transcript NM_001031725.6 (MANE Select); one copy of the 3-base unit TCT starting at c.405; the reference has two copies in a row; one copy, 3 bases deleted.
Protein change: p.Leu137del; deletes leucine 137.
Molecular consequence: inframe deletion.
Genome position (GRCh38, 1-based): chr1:200,666,331-200,666,333, AGA deleted on the plus strand (TCT on the coding strand, the reverse complement: DDX59 is on the minus strand); deleting any 3 consecutive bases within chr1:200,666,331-200,666,336 gives the same sequence; the position shown is the placement nearest the transcript's 3' end. VCF-style (leftmost placement, unchanged base first): chr1-200666330-TAGA-T. GRCh37 (hg19) VCF-style: chr1-200635458-TAGA-T.
Other names: c.405TCT[1], p.Leu137del (NM_001320181.2, NM_001320182.1, NM_001349799.3 and 5 more transcripts); short protein forms L137del.
Identifiers: ClinVar variation 2189479 (VCV002189479.4), dbSNP rs769594366, ClinGen allele CA1318484.
Genomic context (GRCh38, chr1:200,666,330, plus strand): 5'-CTCAGAATCAGCCTTCTGTGGATTGCTGAGTTTTGATTTCTCTTCCTTTTCCTTAACTTG[TAGA>T]AGATGTTTCGCTTTACACTCCAAACTACACACATCTTCATCTGTCTTATCACAGATATAC-3'

ClinVar aggregate classification (germline): Uncertain significance (1 of 4 stars; one submission).

Submission:

Labcorp Genetics (formerly Invitae), Labcorp
Classification: Uncertain significance. Last evaluated: 2022-06-10. Review status: criteria provided, single submitter. Criteria: Invitae Variant Classification Sherloc (09022015). Collection method: clinical testing. Allele origin: germline.
Comment: In summary, the available evidence is currently insufficient to determine the role of this variant in disease. Therefore, it has been classified as a Variant of Uncertain Significance. Experimental studies and prediction algorithms are not available or were not evaluated, and the functional significance of this variant is currently unknown. This variant has not been reported in the literature in individuals affected with DDX59-related conditions. This variant is present in population databases (rs769594366, gnomAD 0.01%). This variant, c.408_410del, results in the deletion of 1 amino acid(s) of the DDX59 protein (p.Leu137del), but otherwise preserves the integrity of the reading frame.